The following is an entry in ClinVar:

ClinVar aggregate classification (germline): Conflicting classifications of pathogenicity. Review status: criteria provided, conflicting classifications (1 of 4 stars). 5 submissions from 5 submitters: Uncertain significance (4); Benign (1). Last evaluated 2026-01-08.

Conditions:
Familial ovarian cancer. Identifiers: MedGen C5679802, MONDO:0016248.
Hereditary cancer-predisposing syndrome. Also called: Neoplastic Syndromes, Hereditary; Tumor predisposition; Hereditary neoplastic syndrome; Hereditary Cancer Syndrome. Identifiers: Orphanet 140162, MedGen C0027672, MeSH D009386, MONDO:0015356.
Fanconi anemia complementation group O. Also called: RAD51C-Related Fanconi Anemia. Identifiers: Orphanet 84, MedGen C3150653, MONDO:0013248, OMIM 613390.

gnomAD v4.1: 7 of 1,613,492 alleles (0.00043%); highest among the groups gnomAD compares: Non-Finnish European, 0.00059%; no homozygotes.

Submissions (5):

Labcorp Genetics (formerly Invitae), Labcorp
Classification: Uncertain significance for Fanconi anemia complementation group O. Last evaluated: 2026-01-08. Review status: criteria provided, single submitter. Criteria: Invitae Variant Classification Sherloc (09022015). Collection method: clinical testing. Allele origin: germline.
Comment: This sequence change replaces methionine, which is neutral and non-polar, with leucine, which is neutral and non-polar, at codon 269 of the RAD51C protein (p.Met269Leu). This variant is not present in population databases (gnomAD no frequency). This variant has not been reported in the literature in individuals affected with RAD51C-related conditions. ClinVar contains an entry for this variant (Variation ID: 241778). Invitae Evidence Modeling of protein sequence and biophysical properties (such as structural, functional, and spatial information, amino acid conservation, physicochemical variation, residue mobility, and thermodynamic stability) indicates that this missense variant is not expected to disrupt RAD51C protein function with a negative predictive value of 80%. In summary, the available evidence is currently insufficient to determine the role of this variant in disease. Therefore, it has been classified as a Variant of Uncertain Significance.

Ambry Genetics
Classification: Benign for Hereditary cancer-predisposing syndrome. Last evaluated: 2025-10-28. Review status: criteria provided, single submitter. Criteria: Ambry Variant Classification Scheme 2023. Collection method: clinical testing. Allele origin: germline.

Molecular Pathology, Peter Maccallum Cancer Centre
Classification: Uncertain significance for Familial ovarian cancer. Last evaluated: 2024-12-30. Review status: criteria provided, single submitter. Criteria: ACMG Guidelines, 2015. Collection method: clinical testing. Allele origin: germline. Inheritance: Autosomal dominant inheritance.

Color Diagnostics, LLC DBA Color Health
Classification: Uncertain significance for Hereditary cancer-predisposing syndrome. Last evaluated: 2024-03-06. Review status: criteria provided, single submitter. Criteria: ACMG Guidelines, 2015. Collection method: clinical testing. Allele origin: germline.
Comment: This missense variant replaces methionine with leucine at codon 269 of the RAD51C protein. Computational prediction suggests that this variant may not impact protein structure and function (internally defined REVEL score threshold <= 0.5, PMID: 27666373). To our knowledge, functional studies have not been reported for this variant. This variant has not been reported in individuals affected with hereditary cancer in the literature. This variant has not been identified in the general population by the Genome Aggregation Database (gnomAD). The available evidence is insufficient to determine the role of this variant in disease conclusively. Therefore, this variant is classified as a Variant of Uncertain Significance.

GeneDx
Classification: Uncertain significance. Last evaluated: 2019-03-05. Review status: criteria provided, single submitter. Criteria: GeneDx Variant Classification Process June 2021. Collection method: clinical testing. Allele origin: germline. Affected: yes.
Comment: Not observed in large population cohorts (Lek 2016); In silico analysis supports that this missense variant does not alter protein structure/function; Has not been previously published as pathogenic or benign to our knowledge

NM_058216.3(RAD51C):c.805A>T (p.Met269Leu)

Gene: RAD51C (RAD51 paralog C; plus strand). Cytogenetic location: 17q22.
Variant type: single nucleotide variant.
Coding change: c.805A>T on transcript NM_058216.3 (MANE Select); coding-DNA position 805, A replaced by T.
Protein change: p.Met269Leu; replaces methionine 269 with leucine.
Molecular consequence: missense variant. On other transcripts: non-coding transcript variant (1).
Genome position (GRCh38, 1-based): chr17:58,709,958, A>T. VCF-style: chr17-58709958-A-T. GRCh37 (hg19) VCF-style: chr17-56787319-A-T.
Other names: short protein forms M269L.
Identifiers: ClinVar variation 241778 (VCV000241778.25), dbSNP rs878855181, ClinGen allele CA10583606.